The following is an entry in ClinVar:

ClinVar aggregate classification (germline): Uncertain significance. Review status: criteria provided, multiple submitters, no conflicts (2 of 4 stars). 10 submissions from 9 submitters: Uncertain significance (10). Last evaluated 2026-03-31.

Conditions:
SH3TC2-related disorder. Also called: SH3TC2-related disorders; SH3TC2-related condition. Identifiers: MedGen CN239303.
Inborn genetic diseases. Identifiers: MedGen C0950123, MeSH D030342.
Charcot-Marie-Tooth disease. Also called: Charcot-Marie-Tooth Neuropathy; Charcot-Marie-Tooth Hereditary Neuropathy. Identifiers: Orphanet 166, MedGen C0007959, MONDO:0015626.
Charcot-Marie-Tooth disease type 4. Also called: Charcot-Marie-Tooth disease, type IV; Charcot-Marie-Tooth, Type 4. Identifiers: Orphanet 64749, MedGen C4082197, MONDO:0018995.
Charcot-Marie-Tooth disease type 4C (CMT4C). Also called: CHARCOT-MARIE-TOOTH DISEASE, DEMYELINATING, AUTOSOMAL RECESSIVE, TYPE 4C; SH3TC2-Related Hereditary Motor and Sensory Neuropathy; CMT 4C; Charcot-Marie-Tooth Neuropathy Type 4C (CMT4C); CHARCOT-MARIE-TOOTH DISEASE, DEMYELINATING, TYPE 4C. Identifiers: Orphanet 99949, MedGen C1866636, MONDO:0011113, OMIM 601596.
Susceptibility to mononeuropathy of the median nerve, mild. Also called: CARPAL TUNNEL SYNDROME, SUSCEPTIBILITY TO. Identifiers: MedGen C3150596, MONDO:0013237, OMIM 613353.

Allele frequency attached by ClinVar (database versions not stated): ExAC 0.00004; ESP Exome Variant Server 0.00008; gnomAD exomes 0.00008 and 0.00024; gnomAD 0.00010; TOPMed 0.00010.
gnomAD v4.1: 363 of 1,614,106 alleles (0.022%); highest among the groups gnomAD compares: Non-Finnish European, 0.03%; no homozygotes.

Submissions (10):

PreventionGenetics, part of Exact Sciences
Classification: Uncertain significance for SH3TC2-related condition. Last evaluated: 2026-03-31. Review status: criteria provided, single submitter. Criteria: ACMG Guidelines, 2015. Collection method: clinical testing. Allele origin: germline.
Comment: The SH3TC2 c.3413G>A variant is predicted to result in the amino acid substitution p.Ser1138Asn. This variant was reported as a variant of uncertain significance in an individual from a large cohort study of Charcot-Marie-Tooth disease; however, additional evidence was not provided (Volodarsky et al. 2021. PubMed ID: 32376792). This variant was also reported in the compound heterozygous state in a patient with features of a motor neuropathy (Peddareddygari et al. 2024. PubMed ID: 38707135). This variant is reported in 0.015% of alleles in individuals of European (non-Finnish) descent in gnomAD. At this time, the clinical significance of this variant is uncertain due to the absence of conclusive functional and genetic evidence.

GeneDx
Classification: Uncertain significance. Last evaluated: 2026-03-04. Review status: criteria provided, single submitter. Criteria: GeneDx Variant Classification Process June 2021. Collection method: clinical testing. Allele origin: germline.
Comment: Previously reported as a variant of uncertain significance in a patient with a suspected diagnosis of Charcot-Marie-Tooth disease in the published literature; however, a second variant in SH3TC2 was not reported (PMID: 32376792); Reported likely in trans with a variant of uncertain significance in a patient with lower limb fasciculations and progressive neuropathy onset in adulthood (PMID: 38707135); In silico analysis suggests that this missense variant does not alter protein structure/function; Not observed at significant frequency in large population cohorts (gnomAD); This variant is associated with the following publications: (PMID: 38707135, 32376792)

Mayo Clinic Laboratories, Mayo Clinic
Classification: Uncertain significance. Last evaluated: 2025-08-20. Review status: criteria provided, single submitter. Criteria: ACMG Guidelines, 2015. Collection method: clinical testing. Allele origin: germline. Observed: 2 variant alleles.
Comment: BP4

Ambry Genetics
Classification: Uncertain significance for Inborn genetic diseases. Last evaluated: 2023-08-31. Review status: criteria provided, single submitter. Criteria: Ambry Variant Classification Scheme 2023. Collection method: clinical testing. Allele origin: germline.

Blueprint Genetics
Classification: Uncertain significance. Last evaluated: 2023-07-28. Review status: criteria provided, single submitter. Criteria: ACMG Guidelines, 2015. Collection method: clinical testing. Allele origin: germline.

Labcorp Genetics (formerly Invitae), Labcorp
Classification: Uncertain significance for Charcot-Marie-Tooth disease type 4. Last evaluated: 2022-10-18. Review status: criteria provided, single submitter. Criteria: Invitae Variant Classification Sherloc (09022015). Collection method: clinical testing. Allele origin: germline.
Comment: This sequence change replaces serine, which is neutral and polar, with asparagine, which is neutral and polar, at codon 1138 of the SH3TC2 protein (p.Ser1138Asn). This variant is present in population databases (rs150805608, gnomAD 0.01%). This missense change has been observed in individual(s) with Charcot-Marie-Tooth disease (PMID: 32376792). ClinVar contains an entry for this variant (Variation ID: 407264). Advanced modeling of protein sequence and biophysical properties (such as structural, functional, and spatial information, amino acid conservation, physicochemical variation, residue mobility, and thermodynamic stability) performed at Invitae indicates that this missense variant is not expected to disrupt SH3TC2 protein function. In summary, the available evidence is currently insufficient to determine the role of this variant in disease. Therefore, it has been classified as a Variant of Uncertain Significance.

Illumina Laboratory Services, Illumina
Classification: Uncertain significance for Susceptibility to mononeuropathy of the median nerve, mild. Last evaluated: 2018-01-13. Review status: criteria provided, single submitter. Criteria: ICSL Variant Classification Criteria 13 December 2019. Collection method: clinical testing. Allele origin: germline.

Illumina Laboratory Services, Illumina
Classification: Uncertain significance for Charcot-Marie-Tooth disease type 4C. Last evaluated: 2018-01-13. Review status: criteria provided, single submitter. Criteria: ICSL Variant Classification Criteria 13 December 2019. Collection method: clinical testing. Allele origin: germline.

Breakthrough Genomics
Classification: Uncertain significance. Review status: criteria provided, single submitter. Criteria: ACMG Guidelines, 2015. Collection method: not provided. Allele origin: germline. Inheritance: Autosomal recessive inheritance. Affected: yes.

Molecular Genetics Laboratory, London Health Sciences Centre
Classification: Uncertain significance for Charcot-Marie-Tooth disease. Review status: criteria provided, single submitter. Criteria: ACMG Guidelines, 2015. Collection method: clinical testing. Allele origin: germline. Affected: yes.

Literature cited by the submitters: PubMed 32376792 (cited by Mayo Clinic Laboratories, Mayo Clinic and Labcorp Genetics (formerly Invitae), Labcorp); PubMed 38707135 (cited by Mayo Clinic Laboratories, Mayo Clinic).

NM_024577.4(SH3TC2):c.3413G>A (p.Ser1138Asn)

Gene: SH3TC2 (SH3 domain and tetratricopeptide repeats 2; minus strand). Cytogenetic location: 5q32.
Variant type: single nucleotide variant.
Coding change: c.3413G>A on transcript NM_024577.4 (MANE Select); coding-DNA position 3413, G replaced by A.
Protein change: p.Ser1138Asn; replaces serine 1138 with asparagine.
Molecular consequence: missense variant.
Genome position (GRCh38, 1-based): chr5:149,008,916, C>T on the plus strand (G>A on the coding strand, the complement: SH3TC2 is on the minus strand). VCF-style: chr5-149008916-C-T. GRCh37 (hg19) VCF-style: chr5-148388479-C-T.
Other names: p.Ser1138Asn; short protein forms S1138N.
Identifiers: ClinVar variation 407264 (VCV000407264.19), dbSNP rs150805608, ClinGen allele CA3498751.
Genomic context (GRCh38, chr5:149,008,916, plus strand): 5'-ACTGTGCTGAGCCTGGCGGCCAGGGTGGCAAATTCCAAAGCCTTCTCATAGCCTTCGAGG[C>T]TAATCTGCAGCTCTGTCAGCTTATTGAAAATCCGGAGCTCAGTTCTCACCGCCTTCAACC-3'
Protein context (NP_078853.2, residues 1128-1148): IFNKLTELQI[Ser1138Asn]LEGYEKALEF